The following is an entry in ClinVar:

ClinVar aggregate classification (germline): Benign (0 of 4 stars; one submission).

Conditions:
ZNF804A-related disorder. Also called: ZNF804A-related condition.

Allele frequency attached by ClinVar (database versions not stated): 1000 Genomes Project 0.01577; TOPMed 0.02275; ESP Exome Variant Server 0.02291; gnomAD 0.02311; ExAC 0.02529; gnomAD exomes 0.03070.
gnomAD v4.1: 48,045 of 1,608,378 alleles (3%); highest among the groups gnomAD compares: Middle Eastern, 5.5%; 886 homozygotes.

Submission:

PreventionGenetics, part of Exact Sciences
Classification: Benign for ZNF804A-related condition. Last evaluated: 2019-04-25. Review status: no assertion criteria provided. Collection method: clinical testing. Allele origin: germline.
Comment: This variant is classified as benign based on ACMG/AMP sequence variant interpretation guidelines (Richards et al. 2015 PMID: 25741868, with internal and published modifications).

NM_194250.2(ZNF804A):c.3322G>A (p.Ala1108Thr)

Gene: ZNF804A (zinc finger protein 804A; plus strand). Cytogenetic location: 2q32.1.
Variant type: single nucleotide variant.
Coding change: c.3322G>A on transcript NM_194250.2 (MANE Select); coding-DNA position 3322, G replaced by A.
Protein change: p.Ala1108Thr; replaces alanine 1108 with threonine.
Molecular consequence: missense variant.
Genome position (GRCh38, 1-based): chr2:184,938,718, G>A. VCF-style: chr2-184938718-G-A. GRCh37 (hg19) VCF-style: chr2-185803445-G-A.
Other names: short protein forms A1108T.
Identifiers: ClinVar variation 3037628 (VCV003037628.2), dbSNP rs112183442, ClinGen allele CA2016313.